The following is an entry in ClinVar:

NM_000059.4(BRCA2):c.326T>C (p.Val109Ala)

Gene: BRCA2 (BRCA2 DNA repair associated; plus strand). Cytogenetic location: 13q13.1.
Variant type: single nucleotide variant.
Coding change: c.326T>C on transcript NM_000059.4 (MANE Select); coding-DNA position 326, T replaced by C.
Protein change: p.Val109Ala; replaces valine 109 with alanine.
Molecular consequence: missense variant.
Genome position (GRCh38, 1-based): chr13:32,325,085, T>C. VCF-style: chr13-32325085-T-C. GRCh37 (hg19) VCF-style: chr13-32899222-T-C.
Other names: c.326T>C, p.Val109Ala (NM_001406719.1, NM_001406720.1, NM_001406721.1); c.-44T>C (NM_001406722.1); short protein forms V109A.
Identifiers: ClinVar variation 1729616 (VCV001729616.2), dbSNP rs2137446072, ClinGen allele CA387756516.
Genomic context (GRCh38, chr13:32,325,085, plus strand): 5'-ATTTATAATCCAGAGTATATACATTCTCACTGAATTATTGTACTGTTTCAGGAAGGAATG[T>C]TCCCAATAGTAGACATAAAAGTCTTCGCACAGTGAAAACTAAAATGGATCAAGCAGATGA-3'
Protein context (NP_000050.3, residues 99-119): DKFKLDLGRN[Val109Ala]PNSRHKSLRT

ClinVar aggregate classification (germline): Uncertain significance (1 of 4 stars; one submission).

Conditions:
Hereditary cancer-predisposing syndrome. Also called: Neoplastic Syndromes, Hereditary; Tumor predisposition; Hereditary Cancer Syndrome; Hereditary neoplastic syndrome. Identifiers: Orphanet 140162, MedGen C0027672, MeSH D009386, MONDO:0015356.

Submission:

Ambry Genetics
Classification: Uncertain significance for Hereditary cancer-predisposing syndrome. Last evaluated: 2021-03-04. Review status: criteria provided, single submitter. Criteria: Ambry Variant Classification Scheme 2023. Collection method: clinical testing. Allele origin: germline.
Comment: The p.V109A variant (also known as c.326T>C), located in coding exon 3 of the BRCA2 gene, results from a T to C substitution at nucleotide position 326. The valine at codon 109 is replaced by alanine, an amino acid with similar properties. This amino acid position is not well conserved in available vertebrate species. In addition, this alteration is predicted to be tolerated by in silico analysis. Since supporting evidence is limited at this time, the clinical significance of this alteration remains unclear.